The following is an entry in ClinVar:

ClinVar aggregate classification (germline): Likely pathogenic (1 of 4 stars; one submission).

Submission:

Labcorp Genetics (formerly Invitae), Labcorp
Classification: Likely pathogenic. Last evaluated: 2024-09-15. Review status: criteria provided, single submitter. Criteria: Invitae Variant Classification Sherloc (09022015). Collection method: clinical testing. Allele origin: germline.
Comment: This sequence change affects an acceptor splice site in intron 45 of the SORL1 gene. It is expected to disrupt RNA splicing. Variants that disrupt the donor or acceptor splice site typically lead to a loss of protein function (PMID: 16199547), and loss-of-function variants in SORL1 are known to be pathogenic (PMID: 26303663, 27026413). This variant is not present in population databases (gnomAD no frequency). This variant has not been reported in the literature in individuals affected with SORL1-related conditions. Algorithms developed to predict the effect of sequence changes on RNA splicing suggest that this variant may disrupt the consensus splice site. In summary, the currently available evidence indicates that the variant is pathogenic, but additional data are needed to prove that conclusively. Therefore, this variant has been classified as Likely Pathogenic.

Literature cited by the submitters: PubMed 16199547; PubMed 26303663; PubMed 27026413.

NM_003105.6(SORL1):c.6172-1G>A

Gene: SORL1 (sortilin related receptor 1; plus strand). Cytogenetic location: 11q24.1.
Variant type: single nucleotide variant.
Coding change: c.6172-1G>A on transcript NM_003105.6 (MANE Select); the canonical splice acceptor site of the intron before coding-DNA position 6172, G replaced by A.
Molecular consequence: splice acceptor variant.
Genome position (GRCh38, 1-based): chr11:121,625,084, G>A. VCF-style: chr11-121625084-G-A. GRCh37 (hg19) VCF-style: chr11-121495793-G-A.
Identifiers: ClinVar variation 3700144 (VCV003700144.2).